The following is an entry in ClinVar:

NM_001206927.2(DNAH8):c.11735T>G (p.Ile3912Ser)

Genes: DNAH8 (dynein axonemal heavy chain 8; plus strand), DNAH8-AS1 (DNAH8 antisense RNA 1; minus strand). Cytogenetic location: 6p21.2.
Variant type: single nucleotide variant.
Coding change: c.11735T>G on transcript NM_001206927.2 (MANE Select); coding-DNA position 11735, T replaced by G.
Protein change: p.Ile3912Ser; replaces isoleucine 3912 with serine.
Molecular consequence: missense variant.
Genome position (GRCh38, 1-based): chr6:38,938,145, T>G. VCF-style: chr6-38938145-T-G. GRCh37 (hg19) VCF-style: chr6-38905921-T-G.
Other names: c.11084T>G, p.Ile3695Ser (NM_001371.4); short protein forms I3912S, I3695S.
Identifiers: ClinVar variation 2065192 (VCV002065192.4), dbSNP rs767990512, ClinGen allele CA3791169.

ClinVar aggregate classification (germline): Uncertain significance (1 of 4 stars; one submission).

Conditions:
Primary ciliary dyskinesia. Also called: Ciliary dyskinesia. Identifiers: Orphanet 244, MedGen C0008780, MONDO:0016575, HP:0012265.

Allele frequency attached by ClinVar (database versions not stated): gnomAD exomes below 0.00001; ExAC 0.00001; gnomAD 0.00001.
gnomAD v4.1: 2 of 1,613,968 alleles (0.00012%); highest among the groups gnomAD compares: South Asian, 0.0022%; no homozygotes.

Submission:

Labcorp Genetics (formerly Invitae), Labcorp
Classification: Uncertain significance for Primary ciliary dyskinesia. Last evaluated: 2022-04-23. Review status: criteria provided, single submitter. Criteria: Invitae Variant Classification Sherloc (09022015). Collection method: clinical testing. Allele origin: germline.
Comment: In summary, the available evidence is currently insufficient to determine the role of this variant in disease. Therefore, it has been classified as a Variant of Uncertain Significance. Algorithms developed to predict the effect of missense changes on protein structure and function are either unavailable or do not agree on the potential impact of this missense change (SIFT: "Deleterious"; PolyPhen-2: "Not Available"; Align-GVGD: "Class C35"). This variant has not been reported in the literature in individuals affected with DNAH8-related conditions. This variant is present in population databases (rs767990512, gnomAD 0.003%). This sequence change replaces isoleucine, which is neutral and non-polar, with serine, which is neutral and polar, at codon 3912 of the DNAH8 protein (p.Ile3912Ser).